The following is an entry in ClinVar:

ClinVar aggregate classification (germline): Uncertain significance. Review status: criteria provided, multiple submitters, no conflicts (2 of 4 stars). 2 submissions from 2 submitters: Uncertain significance (2). Last evaluated 2024-05-29.

Conditions:
Junctional epidermolysis bullosa with pyloric atresia. Also called: Epidermolysis bullosa, junctional, with pyloric atresia and aplasia cutis congenita; Epidermolysis bullosa junctionalis with pyloric atresia; APLASIA CUTIS CONGENITA WITH GASTROINTESTINAL ATRESIA; CARMI SYNDROME; EB-PA-ACC; ITGB4-Related Epidermolysis Bullosa with Pyloric Atresia. Identifiers: Orphanet 79403, MedGen C5676875, MONDO:0009183, OMIM 226730.
Epidermolysis bullosa, junctional 5A, intermediate. Also called: EPIDERMOLYSIS BULLOSA, JUNCTIONAL 5A, GENERALIZED INTERMEDIATE; EPIDERMOLYSIS BULLOSA, JUNCTIONAL 5A, NON-HERLITZ TYPE. Identifiers: MedGen C5676956, MONDO:0030768, OMIM 619816.

Allele frequency attached by ClinVar (database versions not stated): TOPMed 0.00001.
gnomAD v4.1: 14 of 1,612,484 alleles (0.00087%); highest among the groups gnomAD compares: Admixed American, 0.018%; no homozygotes.

Submissions (2):

Labcorp Genetics (formerly Invitae), Labcorp
Classification: Uncertain significance. Last evaluated: 2024-05-29. Review status: criteria provided, single submitter. Criteria: Invitae Variant Classification Sherloc (09022015). Collection method: clinical testing. Allele origin: germline.
Comment: This sequence change replaces aspartic acid, which is acidic and polar, with histidine, which is basic and polar, at codon 1600 of the ITGB4 protein (p.Asp1600His). This variant is present in population databases (rs759160067, gnomAD 0.03%). This variant has not been reported in the literature in individuals affected with ITGB4-related conditions. ClinVar contains an entry for this variant (Variation ID: 1895963). An algorithm developed to predict the effect of missense changes on protein structure and function (PolyPhen-2) suggests that this variant is likely to be disruptive. In summary, the available evidence is currently insufficient to determine the role of this variant in disease. Therefore, it has been classified as a Variant of Uncertain Significance.

Fulgent Genetics
Classification: Uncertain significance for Junctional epidermolysis bullosa with pyloric atresia; Epidermolysis bullosa, junctional 5A, intermediate. Last evaluated: 2024-01-10. Review status: criteria provided, single submitter. Criteria: ACMG Guidelines, 2015. Collection method: clinical testing. Allele origin: germline.

NM_000213.5(ITGB4):c.5008G>C (p.Asp1670His)

Genes: ITGB4 (integrin subunit beta 4; plus strand), GALK1 (galactokinase 1; minus strand). Cytogenetic location: 17q25.1.
Variant type: single nucleotide variant.
Coding change: c.5008G>C on transcript NM_000213.5 (MANE Select); coding-DNA position 5008, G replaced by C.
Protein change: p.Asp1670His; replaces aspartic acid 1670 with histidine.
Molecular consequence: missense variant. On other transcripts: intron variant (1).
Genome position (GRCh38, 1-based): chr17:75,756,814, G>C. VCF-style: chr17-75756814-G-C. GRCh37 (hg19) VCF-style: chr17-73752895-G-C.
Other names: c.4957G>C, p.Asp1653His (NM_001005619.2); c.4798G>C, p.Asp1600His (NM_001005731.3, NM_001321123.2); c.4648G>C, p.Asp1550His (NM_001438834.1); c.*22+1220C>G (NM_001381985.1); short protein forms D1653H, D1600H, D1670H, D1550H.
Identifiers: ClinVar variation 1895963 (VCV001895963.4), dbSNP rs759160067, ClinGen allele CA8770395.